The following is an entry in ClinVar:

NM_015178.3(RHOBTB2):c.1365C>T (p.Leu455=)

Gene: RHOBTB2 (Rho related BTB domain containing 2; plus strand). Cytogenetic location: 8p21.3.
Variant type: single nucleotide variant.
Coding change: c.1365C>T on transcript NM_015178.3 (MANE Select); coding-DNA position 1365, C replaced by T.
Protein change: p.Leu455=; no amino-acid change (leucine 455 retained).
Molecular consequence: synonymous variant.
Genome position (GRCh38, 1-based): chr8:23,007,610, C>T. VCF-style: chr8-23007610-C-T. GRCh37 (hg19) VCF-style: chr8-22865123-C-T.
Other names: c.1431C>T, p.Leu477= (NM_001160036.2); c.1386C>T, p.Leu462= (NM_001160037.2); c.1365C>T, p.Leu455= (NM_001374791.1).
Identifiers: ClinVar variation 1575739 (VCV001575739.10), dbSNP rs200197065, ClinGen allele CA4672656.

ClinVar aggregate classification (germline): Likely benign. Review status: criteria provided, multiple submitters, no conflicts (2 of 4 stars). 2 submissions from 2 submitters: Likely benign (2). Last evaluated 2026-05-01.

Allele frequency attached by ClinVar (database versions not stated): gnomAD exomes 0.00003 and 0.00006; ExAC 0.00005; gnomAD 0.00009; TOPMed 0.00009; 1000 Genomes Project 30x 0.00016; 1000 Genomes Project 0.00020.
gnomAD v4.1: 60 of 1,614,126 alleles (0.0037%); highest among the groups gnomAD compares: Middle Eastern, 0.033%; no homozygotes.

Submissions (2):

CeGaT Center for Human Genetics Tuebingen
Classification: Likely benign. Last evaluated: 2026-05-01. Review status: criteria provided, single submitter. Criteria: CeGaT Center For Human Genetics Tuebingen Variant Classification Criteria Version 2. Collection method: clinical testing. Allele origin: germline. Affected: yes. Observed: 1 variant allele.
Comment: RHOBTB2: BP4, BP7

Labcorp Genetics (formerly Invitae), Labcorp
Classification: Likely benign. Last evaluated: 2025-11-19. Review status: criteria provided, single submitter. Criteria: Invitae Variant Classification Sherloc (09022015). Collection method: clinical testing. Allele origin: germline.